The following is an entry in ClinVar:

NM_001252024.2(TRPM1):c.598G>A (p.Glu200Lys)

Gene: TRPM1 (transient receptor potential cation channel subfamily M member 1; minus strand). Cytogenetic location: 15q13.3.
Variant type: single nucleotide variant.
Coding change: c.598G>A on transcript NM_001252024.2 (MANE Select); coding-DNA position 598, G replaced by A.
Protein change: p.Glu200Lys; replaces glutamic acid 200 with lysine.
Molecular consequence: missense variant.
Genome position (GRCh38, 1-based): chr15:31,067,083, C>T on the plus strand (G>A on the coding strand, the complement: TRPM1 is on the minus strand). VCF-style: chr15-31067083-C-T. GRCh37 (hg19) VCF-style: chr15-31359286-C-T.
Other names: c.649G>A, p.Glu217Lys (NM_001252020.2); c.532G>A, p.Glu178Lys (NM_002420.6); short protein forms E178K, E200K, E217K.
Identifiers: ClinVar variation 839386 (VCV000839386.10), dbSNP rs571651303, ClinGen allele CA7452900.

ClinVar aggregate classification (germline): Uncertain significance (1 of 4 stars; one submission).

Allele frequency attached by ClinVar (database versions not stated): gnomAD exomes below 0.00001 and 0.00001; gnomAD 0.00001 and 0.00002; ExAC 0.00002; TOPMed 0.00002; 1000 Genomes Project 30x 0.00016; 1000 Genomes Project 0.00020.
gnomAD v4.1: 9 of 1,614,186 alleles (0.00056%); highest among the groups gnomAD compares: South Asian, 0.0044%; no homozygotes.

Submission:

Labcorp Genetics (formerly Invitae), Labcorp
Classification: Uncertain significance. Last evaluated: 2020-03-05. Review status: criteria provided, single submitter. Criteria: Invitae Variant Classification Sherloc (09022015). Collection method: clinical testing. Allele origin: germline.
Comment: In summary, the available evidence is currently insufficient to determine the role of this variant in disease. Therefore, it has been classified as a Variant of Uncertain Significance. Algorithms developed to predict the effect of missense changes on protein structure and function are either unavailable or do not agree on the potential impact of this missense change (SIFT: "Deleterious"; PolyPhen-2: "Benign"; Align-GVGD: "Class C0"). This variant has not been reported in the literature in individuals with TRPM1-related conditions. This variant is present in population databases (rs571651303, ExAC 0.01%). This sequence change replaces glutamic acid with lysine at codon 178 of the TRPM1 protein (p.Glu178Lys). The glutamic acid residue is highly conserved and there is a small physicochemical difference between glutamic acid and lysine.